The following is an entry in ClinVar:

NM_133433.4(NIPBL):c.8384dup (p.Tyr2796fs)

Gene: NIPBL (NIPBL cohesin loading factor; plus strand). Cytogenetic location: 5p13.2.
Variant type: Duplication.
Coding change: c.8384dup on transcript NM_133433.4 (MANE Select); coding-DNA position 8384, one base duplicated (T; older notation c.8384dupT).
Protein change: p.Tyr2796fs; shifts the reading frame from tyrosine 2796.
Molecular consequence: frameshift variant. On other transcripts: 3 prime UTR variant (1).
Genome position (GRCh38, 1-based): chr5:37,064,861, T duplicated. VCF-style (leftmost placement, unchanged base first): chr5-37064860-C-CT. GRCh37 (hg19) VCF-style: chr5-37064962-C-CT.
Other names: c.*838dup (NM_015384.5); c.8384dupT (NM_133433.3); short protein forms Y2796fs.
Identifiers: ClinVar variation 524054 (VCV000524054.2), dbSNP rs1554036216, ClinGen allele CA658796522.

ClinVar aggregate classification (germline): Likely pathogenic (1 of 4 stars; one submission).

Submission:

GeneDx
Classification: Likely pathogenic. Last evaluated: 2018-03-27. Review status: criteria provided, single submitter. Criteria: GeneDx Variant Classification (06012015). Collection method: clinical testing. Allele origin: germline. Affected: yes.
Comment: The c.8384dupT variant in the NIPBL gene has not been reported previously as a pathogenic variant nor as a benign variant, to our knowledge. The c.8384dupT variant causes a frameshift starting with codon Tyrosine 2796, changes this amino acid to a Valine residue, and creates a premature Stop codon at position 24 of the new reading frame, denoted p.Tyr2796ValfsX24. This variant is predicted to cause loss of normal protein function, as the last 9 amino acids are lost and replaced with 23 incorrect amino acids. The c.8384dupT variant is not observed in large population cohorts (Lek et al., 2016). We interpret c.8384dupT as a likely pathogenic variant.